The following is an entry in ClinVar:

NM_004999.4(MYO6):c.3597A>G (p.Gly1199=)

Gene: MYO6 (myosin VI; plus strand). Cytogenetic location: 6q14.1.
Variant type: single nucleotide variant.
Coding change: c.3597A>G on transcript NM_004999.4 (MANE Select); coding-DNA position 3597, A replaced by G.
Protein change: p.Gly1199=; no amino-acid change (glycine 1199 retained).
Molecular consequence: synonymous variant. On other transcripts: non-coding transcript variant (1).
Genome position (GRCh38, 1-based): chr6:75,914,220, A>G. VCF-style: chr6-75914220-A-G. GRCh37 (hg19) VCF-style: chr6-76623937-A-G.
Other names: c.3528A>G, p.Gly1176= (NM_001300899.2); c.3501A>G, p.Gly1167= (NM_001368136.1); c.3558A>G, p.Gly1186= (NM_001368137.1); c.3513A>G, p.Gly1171= (NM_001368138.1); c.3624A>G, p.Gly1208= (NM_001368865.1); c.3597A>G, p.Gly1199= (NM_001368866.1).
Identifiers: ClinVar variation 910675 (VCV000910675.5), dbSNP rs751775864, ClinGen allele CA141060285.

ClinVar aggregate classification (germline): Uncertain significance. Review status: criteria provided, multiple submitters, no conflicts (2 of 4 stars). 3 submissions from 2 submitters: Uncertain significance (3). Last evaluated 2025-05-21.

Conditions:
Autosomal recessive nonsyndromic hearing loss 37. Identifiers: Orphanet 90636, MedGen C1843028, MONDO:0011912, OMIM 607821.
Autosomal dominant nonsyndromic hearing loss 22. Also called: DFNA 22; Autosomal dominant nonsyndromic deafness 22. Identifiers: Orphanet 228012, MedGen C2931767, MONDO:0011660, OMIM 606346.

Allele frequency attached by ClinVar (database versions not stated): gnomAD 0.00001; TOPMed 0.00002.
gnomAD v4.1: 18 of 1,614,078 alleles (0.0011%); highest among the groups gnomAD compares: Non-Finnish European, 0.0015%; no homozygotes.

Submissions (3):

GeneDx
Classification: Uncertain significance. Last evaluated: 2025-05-21. Review status: criteria provided, single submitter. Criteria: GeneDx Variant Classification Process June 2021. Collection method: clinical testing. Allele origin: germline. Affected: yes.
Comment: Has not been previously published as pathogenic or benign to our knowledge; In silico analysis suggests this variant may impact gene splicing. In the absence of RNA/functional studies, the actual effect of this sequence change is unknown

Illumina Laboratory Services, Illumina
Classification: Uncertain significance for Autosomal recessive nonsyndromic hearing loss 37. Last evaluated: 2017-04-27. Review status: criteria provided, single submitter. Criteria: ICSL Variant Classification Criteria 13 December 2019. Collection method: clinical testing. Allele origin: germline.

Illumina Laboratory Services, Illumina
Classification: Uncertain significance for Autosomal dominant nonsyndromic hearing loss 22. Last evaluated: 2017-04-27. Review status: criteria provided, single submitter. Criteria: ICSL Variant Classification Criteria 13 December 2019. Collection method: clinical testing. Allele origin: germline.